The following is an entry in ClinVar:

ClinVar aggregate classification (germline): Likely benign. Review status: criteria provided, multiple submitters, no conflicts (2 of 4 stars). 3 submissions from 3 submitters: Likely benign (3). Last evaluated 2024-10-01.

Submissions (3):

Labcorp Genetics (formerly Invitae), Labcorp
Classification: Likely benign. Last evaluated: 2024-10-01. Review status: criteria provided, single submitter. Criteria: Invitae Variant Classification Sherloc (09022015). Collection method: clinical testing. Allele origin: germline.

CeGaT Center for Human Genetics Tuebingen
Classification: Likely benign. Last evaluated: 2023-06-01. Review status: criteria provided, single submitter. Criteria: CeGaT Center For Human Genetics Tuebingen Variant Classification Criteria Version 2. Collection method: clinical testing. Allele origin: germline. Affected: yes. Observed: 1 variant allele.
Comment: ARID1B: BP3

GeneDx
Classification: Likely benign. Last evaluated: 2022-05-06. Review status: criteria provided, single submitter. Criteria: GeneDx Variant Classification Process June 2021. Collection method: clinical testing. Allele origin: germline. Affected: yes.
Comment: See Variant Classification Assertion Criteria.

NM_001374828.1(ARID1B):c.633_641dup (p.Gln214_His215insGlnGlnGln)

Genes: ARID1B (AT-rich interaction domain 1B; plus strand), LOC115308161 (uncharacterized LOC115308161; minus strand). Cytogenetic location: 6q25.3.
Variant type: Duplication.
Coding change: c.633_641dup on transcript NM_001374828.1 (MANE Select); coding-DNA positions 633 to 641, 9 bases duplicated (GCAACAGCA; older notation c.633_641dupGCAACAGCA).
Protein change: p.Gln214_His215insGlnGlnGln.
Molecular consequence: inframe insertion. On other transcripts: non-coding transcript variant (1).
Genome position (GRCh38, 1-based): chr6:156,778,313-156,778,321, GCAACAGCA duplicated; duplicating any 9 consecutive bases within chr6:156,778,308-156,778,321 gives the same sequence; the c. name uses the placement nearest the transcript's 3' end. VCF-style (leftmost placement, unchanged base first): chr6-156778307-G-GCAGCAGCAA. GRCh37 (hg19) VCF-style: chr6-157099441-G-GCAGCAGCAA.
Other names: c.384_392dup (NM_020732.3); c.633_641dup, p.Gln214_His215insGlnGlnGln (NM_001371656.1, NM_001374820.1, NM_017519.3).
Identifiers: ClinVar variation 1529480 (VCV001529480.36), dbSNP rs1554247400, ClinGen allele CA571907150.